The following is an entry in ClinVar:

NM_024675.4(PALB2):c.2275C>T (p.Gln759Ter)

Gene: PALB2 (partner and localizer of BRCA2; minus strand). Cytogenetic location: 16p12.2.
Variant type: single nucleotide variant.
Coding change: c.2275C>T on transcript NM_024675.4 (MANE Select); coding-DNA position 2275, C replaced by T.
Protein change: p.Gln759Ter; replaces glutamine 759 with a stop codon.
Molecular consequence: nonsense.
Genome position (GRCh38, 1-based): chr16:23,629,879, G>A on the plus strand (C>T on the coding strand, the complement: PALB2 is on the minus strand). VCF-style: chr16-23629879-G-A. GRCh37 (hg19) VCF-style: chr16-23641200-G-A.
Other names: short protein forms Q759*.
Identifiers: ClinVar variation 1319617 (VCV001319617.7), dbSNP rs515726083, ClinGen allele CA395125377.

ClinVar aggregate classification (germline): Pathogenic. Review status: criteria provided, multiple submitters, no conflicts (2 of 4 stars). 4 submissions from 4 submitters: Pathogenic (4). Last evaluated 2025-05-05.

Conditions:
Hereditary cancer-predisposing syndrome. Also called: Hereditary neoplastic syndrome; Neoplastic Syndromes, Hereditary; Tumor predisposition; Hereditary Cancer Syndrome. Identifiers: Orphanet 140162, MedGen C0027672, MeSH D009386, MONDO:0015356.
Breast-ovarian cancer, familial, susceptibility to, 5 (BROVCA5). Identifiers: MedGen C5830615, MONDO:0957530, OMIM 620442.
Familial cancer of breast. Also called: Hereditary breast cancer; hereditary breast carcinoma; BREAST CANCER, FAMILIAL. Identifiers: Orphanet 227535, MedGen C0346153, MONDO:0016419, OMIM 114480. Disease mechanism: loss of function.

Submissions (4):

Institute of Human Genetics, University of Leipzig Medical Center
Classification: Pathogenic for Breast-ovarian cancer, familial, susceptibility to, 5. Last evaluated: 2025-05-05. Review status: criteria provided, single submitter. Criteria: ACMG Guidelines, 2015. Collection method: clinical testing. Allele origin: unknown. Inheritance: Autosomal dominant inheritance. Affected: yes.
Comment: Criteria applied: PVS1,PM2_SUP,PM5_SUP

Ambry Genetics
Classification: Pathogenic for Hereditary cancer-predisposing syndrome. Last evaluated: 2024-01-26. Review status: criteria provided, single submitter. Criteria: Ambry Variant Classification Scheme 2023. Collection method: clinical testing. Allele origin: germline.
Comment: The p.Q759* variant (also known as c.2275C>T), located in coding exon 5 of the PALB2 gene, results from a C to T substitution at nucleotide position 2275. This changes the amino acid from a glutamine to a stop codon within coding exon 5. This alteration is expected to result in loss of function by premature protein truncation or nonsense-mediated mRNA decay. As such, this alteration is interpreted as a disease-causing mutation.

Myriad Genetics, Inc.
Classification: Pathogenic for Familial cancer of breast. Last evaluated: 2023-09-12. Review status: criteria provided, single submitter. Criteria: Myriad Autosomal Dominant, Autosomal Recessive and X-Linked Classification Criteria (2023). Collection method: clinical testing. Allele origin: unknown.
Comment: This variant is considered pathogenic. This variant creates a termination codon and is predicted to result in premature protein truncation.

Institute for Clinical Genetics, University Hospital TU Dresden, University Hospital TU Dresden
Classification: Pathogenic. Last evaluated: 2021-11-03. Review status: criteria provided, single submitter. Criteria: ACMG Guidelines, 2015. Collection method: clinical testing. Allele origin: germline.